The following is an entry in ClinVar:

ClinVar aggregate classification (germline): Uncertain significance. Review status: criteria provided, multiple submitters, no conflicts (2 of 4 stars). 3 submissions from 3 submitters: Uncertain significance (3). Last evaluated 2022-11-18.

Conditions:
Charcot-Marie-Tooth disease type 2. Also called: Charcot-Marie-Tooth type 2. Identifiers: Orphanet 64746, MedGen C0270914, MONDO:0018993.

Allele frequency attached by ClinVar (database versions not stated): gnomAD exomes 0.00001 and below 0.00001.
gnomAD v4.1: 1 of 1,553,386 alleles (0.000064%); highest among the groups gnomAD compares: Admixed American, 0.0019%; no homozygotes.

Submissions (3):

Athena Diagnostics
Classification: Uncertain significance. Last evaluated: 2022-11-18. Review status: criteria provided, single submitter. Criteria: Athena Diagnostics Criteria. Collection method: clinical testing. Allele origin: unknown.
Comment: Available data are insufficient to determine the clinical significance of the variant at this time. The frequency of this variant in the general population is uninformative in assessment of its pathogenicity. Computational tools predict that this variant is not damaging.

Labcorp Genetics (formerly Invitae), Labcorp
Classification: Uncertain significance for Charcot-Marie-Tooth disease type 2. Last evaluated: 2022-03-18. Review status: criteria provided, single submitter. Criteria: Invitae Variant Classification Sherloc (09022015). Collection method: clinical testing. Allele origin: germline.
Comment: This sequence change replaces threonine, which is neutral and polar, with alanine, which is neutral and non-polar, at codon 3 of the LMNA protein (p.Thr3Ala). The frequency data for this variant in the population databases is considered unreliable, as metrics indicate poor data quality at this position in the gnomAD database. This variant has not been reported in the literature in individuals affected with LMNA-related conditions. Algorithms developed to predict the effect of missense changes on protein structure and function are either unavailable or do not agree on the potential impact of this missense change (SIFT: "Deleterious"; PolyPhen-2: "Benign"; Align-GVGD: "Class C55"). In summary, the available evidence is currently insufficient to determine the role of this variant in disease. Therefore, it has been classified as a Variant of Uncertain Significance.

Revvity Omics, Revvity
Classification: Uncertain significance. Last evaluated: 2021-02-25. Review status: criteria provided, single submitter. Criteria: ACMG Guidelines, 2015. Collection method: clinical testing. Allele origin: germline.

NM_170707.4(LMNA):c.7A>G (p.Thr3Ala)

Gene: LMNA (lamin A/C; plus strand). Cytogenetic location: 1q22.
Variant type: single nucleotide variant.
Coding change: c.7A>G on transcript NM_170707.4 (MANE Select); coding-DNA position 7, A replaced by G.
Protein change: p.Thr3Ala; replaces threonine 3 with alanine.
Molecular consequence: missense variant.
Genome position (GRCh38, 1-based): chr1:156,114,925, A>G. VCF-style: chr1-156114925-A-G. GRCh37 (hg19) VCF-style: chr1-156084716-A-G.
Other names: c.7A>G (NM_170707.2); c.7A>G, p.Thr3Ala (NM_001282625.2, NM_001282626.2, NM_005572.4 and 1 more transcripts); short protein forms T3A.
Identifiers: ClinVar variation 1362553 (VCV001362553.6), dbSNP rs1183004393, ClinGen allele CA342805889.